The following is an entry in ClinVar:

ClinVar aggregate classification (germline): Likely benign. Review status: criteria provided, multiple submitters, no conflicts (2 of 4 stars). 4 submissions from 4 submitters: Likely benign (4). Last evaluated 2026-01-01.

Conditions:
46,XY sex reversal 9 (SRXY9). Also called: 46,XY SEX REVERSAL, ZFPM2-RELATED. Identifiers: Orphanet 251510, MedGen C4015129, MONDO:0014480, OMIM 616067.

Allele frequency attached by ClinVar (database versions not stated): gnomAD 0.00013 and 0.00014; gnomAD exomes 0.00014 and 0.00022; TOPMed 0.00015; ExAC 0.00017; ESP Exome Variant Server 0.00017.
gnomAD v4.1: 236 of 1,611,264 alleles (0.015%); highest among the groups gnomAD compares: Middle Eastern, 0.033%; no homozygotes.

Submissions (4):

CeGaT Center for Human Genetics Tuebingen
Classification: Likely benign. Last evaluated: 2026-01-01. Review status: criteria provided, single submitter. Criteria: CeGaT Center For Human Genetics Tuebingen Variant Classification Criteria Version 2. Collection method: clinical testing. Allele origin: germline. Affected: yes. Observed: 1 variant allele.
Comment: ZFPM2: BP4, BP7

Labcorp Genetics (formerly Invitae), Labcorp
Classification: Likely benign for 46,XY sex reversal 9. Last evaluated: 2025-06-25. Review status: criteria provided, single submitter. Criteria: Invitae Variant Classification Sherloc (09022015). Collection method: clinical testing. Allele origin: germline.

Blueprint Genetics
Classification: Likely benign. Last evaluated: 2024-05-23. Review status: criteria provided, single submitter. Criteria: ACMG Guidelines, 2015. Collection method: clinical testing. Allele origin: germline.

Breakthrough Genomics
Classification: Likely benign. Review status: criteria provided, single submitter. Criteria: ACMG Guidelines, 2015. Collection method: not provided. Allele origin: germline. Inheritance: Autosomal dominant inheritance. Affected: yes.

NM_012082.4(ZFPM2):c.285C>T (p.Asp95=)

Gene: ZFPM2 (zinc finger protein, FOG family member 2; plus strand). Cytogenetic location: 8q23.1.
Variant type: single nucleotide variant.
Coding change: c.285C>T on transcript NM_012082.4 (MANE Select); coding-DNA position 285, C replaced by T.
Protein change: p.Asp95=; no amino-acid change (aspartic acid 95 retained).
Molecular consequence: synonymous variant. On other transcripts: 5 prime UTR variant (1).
Genome position (GRCh38, 1-based): chr8:105,444,365, C>T. VCF-style: chr8-105444365-C-T. GRCh37 (hg19) VCF-style: chr8-106456593-C-T.
Other names: c.126C>T, p.Asp42= (NM_001362836.2); c.-112C>T (NM_001362837.2).
Identifiers: ClinVar variation 696378 (VCV000696378.14), dbSNP rs371910925, ClinGen allele CA4839438.